The following is an entry in ClinVar:

NM_001167.4(XIAP):c.1435G>A (p.Asp479Asn)

Gene: XIAP (X-linked inhibitor of apoptosis; plus strand). Cytogenetic location: Xq25.
Variant type: single nucleotide variant.
Coding change: c.1435G>A on transcript NM_001167.4 (MANE Select); coding-DNA position 1435, G replaced by A.
Protein change: p.Asp479Asn; replaces aspartic acid 479 with asparagine.
Molecular consequence: missense variant. On other transcripts: non-coding transcript variant (2).
Genome position (GRCh38, 1-based): chrX:123,907,122, G>A. VCF-style: chrX-123907122-G-A. GRCh37 (hg19) VCF-style: chrX-123040972-G-A.
Other names: c.1435G>A, p.Asp479Asn (NM_001204401.2, NM_001378590.1, NM_001378591.1 and 1 more transcripts); short protein forms D479N.
Identifiers: ClinVar variation 3703357 (VCV003703357.2).

ClinVar aggregate classification (germline): Uncertain significance (1 of 4 stars; one submission).

Conditions:
X-linked lymphoproliferative disease due to XIAP deficiency. Also called: XIAP DEFICIENCY; XIAP-Related Lymphoproliferative Disease, X-Linked. Identifiers: Orphanet 2442, Orphanet 538934, MedGen C1845076, MONDO:0010385, OMIM 300635.

Submission:

Labcorp Genetics (formerly Invitae), Labcorp
Classification: Uncertain significance for X-linked lymphoproliferative disease due to XIAP deficiency. Last evaluated: 2024-10-30. Review status: criteria provided, single submitter. Criteria: Invitae Variant Classification Sherloc (09022015). Collection method: clinical testing. Allele origin: germline.
Comment: This sequence change replaces aspartic acid, which is acidic and polar, with asparagine, which is neutral and polar, at codon 479 of the XIAP protein (p.Asp479Asn). This variant is not present in population databases (gnomAD no frequency). This variant has not been reported in the literature in individuals affected with XIAP-related conditions. Invitae Evidence Modeling of protein sequence and biophysical properties (such as structural, functional, and spatial information, amino acid conservation, physicochemical variation, residue mobility, and thermodynamic stability) indicates that this missense variant is not expected to disrupt XIAP protein function with a negative predictive value of 80%. In summary, the available evidence is currently insufficient to determine the role of this variant in disease. Therefore, it has been classified as a Variant of Uncertain Significance.